The following is an entry in ClinVar:

NM_001393797.1(ABCC12):c.1116C>T (p.Leu372=)

Gene: ABCC12 (ATP binding cassette subfamily C member 12; minus strand). Cytogenetic location: 16q12.1.
Variant type: single nucleotide variant.
Coding change: c.1116C>T on transcript NM_001393797.1 (MANE Select); coding-DNA position 1116, C replaced by T.
Protein change: p.Leu372=; no amino-acid change (leucine 372 retained).
Molecular consequence: synonymous variant. On other transcripts: non-coding transcript variant (6).
Genome position (GRCh38, 1-based): chr16:48,133,699, G>A on the plus strand (C>T on the coding strand, the complement: ABCC12 is on the minus strand). VCF-style: chr16-48133699-G-A. GRCh37 (hg19) VCF-style: chr16-48167610-G-A.
Other names: c.1116C>T, p.Leu372= (NM_001392028.1, NM_033226.3).
Identifiers: ClinVar variation 4979709 (VCV004979709.1).

ClinVar aggregate classification (germline): Likely benign (1 of 4 stars; one submission).

Conditions:
ABCC12-related condition.

gnomAD v4.1: 137 of 1,613,902 alleles (0.0085%); highest among the groups gnomAD compares: Non-Finnish European, 0.011%; no homozygotes.

Submission:

PreventionGenetics, part of Exact Sciences
Classification: Likely benign for ABCC12-related condition. Last evaluated: 2026-09-14. Review status: criteria provided, single submitter. Criteria: ACMG Guidelines, 2015. Collection method: clinical testing. Allele origin: germline.
Comment: This variant is classified as likely benign based on ACMG/AMP sequence variant interpretation guidelines (Richards et al. 2015 PMID: 25741868, with internal and published modifications).